The following is an entry in ClinVar:

NM_001077350.3(NPRL3):c.152C>G (p.Thr51Arg)

Genes: HBA-LCR (alpha-globin locus control region; plus strand), NPRL3 (NPR3 like, GATOR1 complex subunit; minus strand). Cytogenetic location: 16p13.3.
Variant type: single nucleotide variant.
Coding change: c.152C>G on transcript NM_001077350.3 (MANE Select); coding-DNA position 152, C replaced by G.
Protein change: p.Thr51Arg; replaces threonine 51 with arginine.
Molecular consequence: missense variant. On other transcripts: 5 prime UTR variant (2).
Genome position (GRCh38, 1-based): chr16:130,558, G>C on the plus strand (C>G on the coding strand, the complement: NPRL3 is on the minus strand). VCF-style: chr16-130558-G-C. GRCh37 (hg19) VCF-style: chr16-180557-G-C.
Other names: c.-181C>G (NM_001039476.3); c.-220C>G (NM_001243247.2); c.152C>G, p.Thr51Arg (NM_001243248.2, NM_001243249.2); short protein forms T51R.
Identifiers: ClinVar variation 4536338 (VCV004536338.2).

ClinVar aggregate classification (germline): Uncertain significance (1 of 4 stars; one submission).

gnomAD v4.1: 1 of 1,555,322 alleles (0.000064%); highest among the groups gnomAD compares: Non-Finnish European, 0.000087%; no homozygotes.

Submission:

GeneDx
Classification: Uncertain significance. Last evaluated: 2026-07-18. Review status: criteria provided, single submitter. Criteria: GeneDx Variant Classification Process June 2021. Collection method: clinical testing. Allele origin: germline.
Comment: Not observed at significant frequency in large population cohorts (gnomAD); In silico analysis supports that this missense variant has a deleterious effect on protein structure/function; Has not been previously published as pathogenic or benign to our knowledge